The following is an entry in ClinVar:

NM_170707.4(LMNA):c.139G>T (p.Asp47Tyr)

Gene: LMNA (lamin A/C; plus strand). Cytogenetic location: 1q22.
Variant type: single nucleotide variant.
Coding change: c.139G>T on transcript NM_170707.4 (MANE Select); coding-DNA position 139, G replaced by T.
Protein change: p.Asp47Tyr; replaces aspartic acid 47 with tyrosine.
Molecular consequence: missense variant. On other transcripts: 5 prime UTR variant (8), intron variant (2).
Genome position (GRCh38, 1-based): chr1:156,115,057, G>T. VCF-style: chr1-156115057-G-T. GRCh37 (hg19) VCF-style: chr1-156084848-G-T.
Other names: c.139G>T, p.Asp47Tyr (NM_001282625.2, NM_001282626.2, NM_001406985.1 and 6 more transcripts); c.-285G>T (NM_001406986.1); c.-263G>T (NM_001406990.1, NM_001406995.1, NM_001407002.1); c.-526G>T (NM_001406994.1, NM_001407000.1); c.-706G>T (NM_001406999.1); c.-369G>T (NM_001407001.1); c.-203+8234G>T (NM_001406993.1, NM_001407003.1); short protein forms D47Y.
Identifiers: ClinVar variation 2571950 (VCV002571950.3), dbSNP rs267607608, ClinGen allele CA342807883.

ClinVar aggregate classification (germline): Conflicting classifications of pathogenicity. Review status: criteria provided, conflicting classifications (1 of 4 stars). 3 submissions from 3 submitters: Pathogenic (1); Likely pathogenic (1); Uncertain significance (1). Last evaluated 2024-10-15.

Conditions:
LMNA-related disorder. Also called: LMNA-related condition; LMNA-related disease; LMNA-related disorders. Identifiers: MedGen CN380145.
Familial partial lipodystrophy, Dunnigan type. Also called: Partial lipodystrophy, Dunnigan; LIPODYSTROPHY, FAMILIAL, OF LIMBS AND LOWER TRUNK; LIPODYSTROPHY, REVERSE PARTIAL. Identifiers: Orphanet 2348, MedGen C1720860, MONDO:0007906, OMIM 151660.

Submissions (3):

Blueprint Genetics
Classification: Likely pathogenic for LMNA-related disorders. Last evaluated: 2024-10-15. Review status: criteria provided, single submitter. Criteria: ACMG Guidelines, 2015. Collection method: clinical testing. Allele origin: germline. Affected: yes. Observed: 1 variant allele.

3billion
Classification: Uncertain significance for Familial partial lipodystrophy, Dunnigan type. Last evaluated: 2023-09-27. Review status: criteria provided, single submitter. Criteria: ACMG Guidelines, 2015. Collection method: clinical testing. Allele origin: germline. Affected: yes.
Comment: The variant is not observed in the gnomAD v2.1.1 dataset. Predicted Consequence/Location: Missense variant In silico tool predictions suggest damaging effect of the variant on gene or gene product [REVEL: 0.93 (>=0.6, sensitivity 0.68 and specificity 0.92); 3Cnet: 1.00 (>=0.6, sensitivity 0.72 and precision 0.9)]. Same nucleotide change resulting in same amino acid change has been previously reported to be associated with LMNA related disorder (ClinVar ID: VCV002571950 /PMID: 17612587). Different missense changes at the same codon (p.Asp47Asn, p.Asp47His) have been reported to be associated with LMNA related disorder (PMID: 17117676, 26775134). However the evidence of pathogenicity is insufficient at this time. Therefore, this variant is classified as VUS according to the recommendation of ACMG/AMP guideline.

GeneDx
Classification: Pathogenic. Last evaluated: 2023-01-09. Review status: criteria provided, single submitter. Criteria: GeneDx Variant Classification Process June 2021. Collection method: clinical testing. Allele origin: germline. Affected: yes.
Comment: Identified in a patient with LMNA-related premature aging in the published literature, however, specific clinical information and segregation information were not provided (Caron et al., 2007); In silico analysis supports that this missense variant has a deleterious effect on protein structure/function; Not observed at significant frequency in large population cohorts (gnomAD); This variant is associated with the following publications: (PMID: 26724531, 10939567, 17612587)

Literature cited by the submitters: PubMed 17612587 (cited by 3billion); PubMed 17117676 (cited by 3billion).